The following is an entry in ClinVar:

ClinVar aggregate classification (germline): Conflicting classifications of pathogenicity. Review status: criteria provided, conflicting classifications (1 of 4 stars). 4 submissions from 4 submitters: Uncertain significance (1); Benign (1); Likely benign (2). Last evaluated 2026-01-24.

Conditions:
Mitochondrial complex I deficiency, nuclear type 1. Also called: NADH-COENZYME Q REDUCTASE DEFICIENCY; MITOCHONDRIAL NADH DEHYDROGENASE COMPONENT OF COMPLEX I, DEFICIENCY OF. Identifiers: MedGen C6022305, MONDO:0100224, OMIM 252010.

Allele frequency attached by ClinVar (database versions not stated): gnomAD 0.00001 and 0.00017; TOPMed 0.00002; ESP Exome Variant Server 0.00008; gnomAD exomes 0.00022 and 0.00036; 1000 Genomes Project 30x 0.00031; 1000 Genomes Project 0.00040; ExAC 0.00043.
gnomAD v4.1: 325 of 1,556,346 alleles (0.021%); highest among the groups gnomAD compares: South Asian, 0.33%; 2 homozygotes.

Submissions (4):

Labcorp Genetics (formerly Invitae), Labcorp
Classification: Benign. Last evaluated: 2026-01-24. Review status: criteria provided, single submitter. Criteria: Invitae Variant Classification Sherloc (09022015). Collection method: clinical testing. Allele origin: germline.

Blueprint Genetics
Classification: Likely benign. Last evaluated: 2024-09-30. Review status: criteria provided, single submitter. Criteria: ACMG Guidelines, 2015. Collection method: clinical testing. Allele origin: germline.

Illumina Laboratory Services, Illumina
Classification: Uncertain significance for Mitochondrial complex I deficiency, nuclear type 1. Last evaluated: 2018-01-13. Review status: criteria provided, single submitter. Criteria: ICSL Variant Classification Criteria 13 December 2019. Collection method: clinical testing. Allele origin: germline.

GeneDx
Classification: Likely benign. Last evaluated: 2018-01-04. Review status: criteria provided, single submitter. Criteria: GeneDx Variant Classification (06012015). Collection method: clinical testing. Allele origin: germline. Affected: yes.
Comment: This variant is considered likely benign or benign based on one or more of the following criteria: it is a conservative change, it occurs at a poorly conserved position in the protein, it is predicted to be benign by multiple in silico algorithms, and/or has population frequency not consistent with disease.

NM_017547.4(FOXRED1):c.537-11G>A

Gene: FOXRED1 (FAD dependent oxidoreductase domain containing 1; plus strand). Cytogenetic location: 11q24.2.
Variant type: single nucleotide variant.
Coding change: c.537-11G>A on transcript NM_017547.4 (MANE Select); 11 bases into the intron before coding-DNA position 537, G replaced by A.
Molecular consequence: intron variant.
Genome position (GRCh38, 1-based): chr11:126,274,916, G>A. VCF-style: chr11-126274916-G-A. GRCh37 (hg19) VCF-style: chr11-126144811-G-A.
Identifiers: ClinVar variation 509772 (VCV000509772.13), dbSNP rs199599636, ClinGen allele CA6354126.